The following is an entry in ClinVar:

NM_001267550.2(TTN):c.76116_76117insA (p.His25373fs)

Genes: TTN (titin; minus strand), TTN-AS1 (TTN antisense RNA 1; plus strand). Cytogenetic location: 2q31.2.
Variant type: Insertion.
Coding change: c.76116_76117insA on transcript NM_001267550.2 (MANE Select); coding-DNA positions 76116 to 76117, A inserted.
Protein change: p.His25373fs; shifts the reading frame from histidine 25373.
Molecular consequence: frameshift variant.
Genome position: GRCh38 VCF-style: chr2-178570015-G-GT. GRCh37 (hg19) VCF-style: chr2-179434742-G-GT.
Other names: c.71193_71194insA, p.His23732fs (NM_001256850.1); c.48921_48922insA, p.His16308fs (NM_003319.4); c.68412_68413insA, p.His22805fs (NM_133378.4); c.49296_49297insA, p.His16433fs (NM_133432.3); c.49497_49498insA, p.His16500fs (NM_133437.4); c.76116_76117insA (LRG_391t1); short protein forms H25373fs, H23732fs, H22805fs, H16308fs, H16433fs, H16500fs.
Identifiers: ClinVar variation 223319 (VCV000223319.1), dbSNP rs869312077, ClinGen allele CA353244.

ClinVar aggregate classification (germline): Likely pathogenic (1 of 4 stars; one submission).

Conditions:
Primary dilated cardiomyopathy (DCM). Also called: Dilated Cardiomyopathy. Identifiers: Orphanet 217604, MedGen C0007193, MeSH D002311, MONDO:0005021, HP:0001644. Inheritance: Various modes of inheritance.

Submission:

Cardiovascular Biomedical Research Unit, Royal Brompton & Harefield NHS Foundation Trust
Classification: Likely pathogenic for Primary dilated cardiomyopathy. Last evaluated: 2014-10-08. Review status: criteria provided, single submitter. Criteria: Roberts et al. 2015. Collection method: research. Allele origin: germline. Inheritance: Autosomal dominant inheritance. Affected: yes. Observed: 1 variant allele. Study: Endstage DCM.
Comment: In the seven cohorts assessed, TTNtv were found in 14% of ambulant DCM, 22% end-stage or familial DCM, and 2% controls. Heterozygous nonsense, frameshift and canonical splice-disrupting variants found in constitutive and other highly utilised exons are highly likely to be pathogenic when identified in individuals with phenotypically confirmed DCM. TTNtv found incidentally in healthy individuals (excluding familial assessment of DCM relatives) are thought to have low penetrance, particularly when identified in exons that are not constitutively expressed in the heart.